The following is an entry in ClinVar:

ClinVar aggregate classification (germline): Likely pathogenic. Review status: criteria provided, multiple submitters, no conflicts (2 of 4 stars). 2 submissions from 2 submitters: Likely pathogenic (2). Last evaluated 2023-10-31.

Conditions:
Early-infantile DEE. Also called: Ohtahara syndrome; Early infantile epileptic encephalopathy; Early infantile epileptic encephalopathy with suppression bursts. Identifiers: Orphanet 1934, MedGen C0393706, MONDO:0800491.
Severe myoclonic epilepsy in infancy (DRVT). Also called: SEVERE MYOCLONIC EPILEPSY OF INFANCY; Epileptic encephalopathy, early infantile, 6 (Dravet syndrome); DEVELOPMENTAL AND EPILEPTIC ENCEPHALOPATHY 6A; Severe Myoclonic Epilepsy in Infancy (SMEI); Dravet syndrome. Identifiers: Orphanet 33069, MedGen C0751122, MONDO:0100135, OMIM 607208.

Submissions (2):

Clinical Genomics Laboratory, Washington University in St. Louis
Classification: Likely pathogenic for Severe myoclonic epilepsy in infancy. Last evaluated: 2023-10-31. Review status: criteria provided, single submitter. Criteria: ACMG Guidelines, 2015. Collection method: clinical testing. Allele origin: germline. Affected: yes.
Comment: The SCN1A c.4124A>C (p.His1375Pro) variant, to our knowledge, has not been reported in the medical literature and is absent from the general population (gnomAD v.2.1.1), indicating it is not a common variant. This variant changes a positively charged histidine to a non-polar proline, but computational predictors are uncertain as to the impact of this variant on SCN1A function. However, this variant occurs immediately downstream of a region that is enriched for pathogenic variation in highly related sodium channels and depleted of variation in unaffected individuals and at least two pathogenic variants occur in the amino acid immediately downstream (Perviewer; Pérez-Palma E et al., PMID: 31871067; ClinVar Variation: 1389086, 1694978). Based on available information and the ACMG/AMP guidelines for variant interpretation (Richards S et al., PMID: 25741868), this variant is classified as likely pathogenic.

Labcorp Genetics (formerly Invitae), Labcorp
Classification: Likely pathogenic for Early-infantile DEE. Last evaluated: 2023-02-17. Review status: criteria provided, single submitter. Criteria: Invitae Variant Classification Sherloc (09022015). Collection method: clinical testing. Allele origin: germline.
Comment: This variant is not present in population databases (gnomAD no frequency). This sequence change replaces histidine, which is basic and polar, with proline, which is neutral and non-polar, at codon 1375 of the SCN1A protein (p.His1375Pro). This missense change has been observed in individual(s) with clinical features of SCN1A-related conditions (Invitae). In at least one individual the variant was observed to be de novo. Advanced modeling of protein sequence and biophysical properties (such as structural, functional, and spatial information, amino acid conservation, physicochemical variation, residue mobility, and thermodynamic stability) has been performed at Invitae for this missense variant, however the output from this modeling did not meet the statistical confidence thresholds required to predict the impact of this variant on SCN1A protein function. In summary, the currently available evidence indicates that the variant is pathogenic, but additional data are needed to prove that conclusively. Therefore, this variant has been classified as Likely Pathogenic.

NM_001165963.4(SCN1A):c.4124A>C (p.His1375Pro)

Genes: SCN1A (sodium voltage-gated channel alpha subunit 1; minus strand), LOC102724058 (uncharacterized LOC102724058; plus strand). Cytogenetic location: 2q24.3.
Variant type: single nucleotide variant.
Coding change: c.4124A>C on transcript NM_001165963.4 (MANE Select); coding-DNA position 4124, A replaced by C.
Protein change: p.His1375Pro; replaces histidine 1375 with proline.
Molecular consequence: missense variant. On other transcripts: non-coding transcript variant (1).
Genome position (GRCh38, 1-based): chr2:166,002,632, T>G on the plus strand (A>C on the coding strand, the complement: SCN1A is on the minus strand). VCF-style: chr2-166002632-T-G. GRCh37 (hg19) VCF-style: chr2-166859142-T-G.
Other names: c.4040A>C, p.His1347Pro (NM_001165964.3, NM_001353957.2, NM_001353958.2); c.4124A>C, p.His1375Pro (NM_001202435.3, NM_001353948.2); c.4091A>C, p.His1364Pro (NM_001353949.2, NM_001353950.2, NM_001353951.2 and 2 more transcripts); c.4088A>C, p.His1363Pro (NM_001353954.2, NM_001353955.2); c.4037A>C, p.His1346Pro (NM_001353960.2); c.1682A>C, p.His561Pro (NM_001353961.2); short protein forms H1346P, H1347P, H1363P, H1364P, H1375P, H561P.
Identifiers: ClinVar variation 2672178 (VCV002672178.4), dbSNP rs2468436385, ClinGen allele CA349050370.